The following is an entry in ClinVar:

ClinVar aggregate classification (germline): Uncertain significance. Review status: criteria provided, multiple submitters, no conflicts (2 of 4 stars). 2 submissions from 2 submitters: Uncertain significance (2). Last evaluated 2024-09-06.

Conditions:
Cardiomyopathy (CMYO). Also called: Cardiomyopathies. Identifiers: Orphanet 167848, MedGen C0878544, MONDO:0004994, HP:0001638. Inheritance: Various modes of inheritance.
Arrhythmogenic right ventricular dysplasia 9 (ARVD9). Also called: Arrhythmogenic Right Ventricular Dysplasia/Cardiomyopathy 9; ARRHYTHMOGENIC RIGHT VENTRICULAR DYSPLASIA, FAMILIAL, 9. Identifiers: MedGen C1836906, MONDO:0012180, OMIM 609040.

Allele frequency attached by ClinVar (database versions not stated): gnomAD exomes below 0.00001; TOPMed below 0.00001.
gnomAD v4.1: 4 of 1,613,586 alleles (0.00025%); highest among the groups gnomAD compares: Non-Finnish European, 0.00034%; no homozygotes.

Submissions (2):

Labcorp Genetics (formerly Invitae), Labcorp
Classification: Uncertain significance for Arrhythmogenic right ventricular dysplasia 9. Last evaluated: 2024-09-06. Review status: criteria provided, single submitter. Criteria: Invitae Variant Classification Sherloc (09022015). Collection method: clinical testing. Allele origin: germline.
Comment: This sequence change replaces alanine, which is neutral and non-polar, with valine, which is neutral and non-polar, at codon 195 of the PKP2 protein (p.Ala195Val). This variant is not present in population databases (gnomAD no frequency). This variant has not been reported in the literature in individuals affected with PKP2-related conditions. ClinVar contains an entry for this variant (Variation ID: 923510). An algorithm developed to predict the effect of missense changes on protein structure and function (PolyPhen-2) suggests that this variant is likely to be disruptive. In summary, the available evidence is currently insufficient to determine the role of this variant in disease. Therefore, it has been classified as a Variant of Uncertain Significance.

Color Diagnostics, LLC DBA Color Health
Classification: Uncertain significance for Cardiomyopathy. Last evaluated: 2024-03-06. Review status: criteria provided, single submitter. Criteria: ACMG Guidelines, 2015. Collection method: clinical testing. Allele origin: germline.
Comment: This missense variant replaces alanine with valine at codon 195 of the PKP2 protein. Computational prediction suggests that this variant may not impact protein structure and function (internally defined REVEL score threshold <= 0.5, PMID: 27666373). Splice site prediction tools suggest that this variant may not impact RNA splicing. To our knowledge, functional studies have not been performed for this variant. This variant has not been reported in individuals affected with cardiovascular disorders in the literature. This variant has not been identified in the general population by the Genome Aggregation Database (gnomAD). The available evidence is insufficient to determine the role of this variant in disease conclusively. Therefore, this variant is classified as a Variant of Uncertain Significance.

NM_001005242.3(PKP2):c.584C>T (p.Ala195Val)

Gene: PKP2 (plakophilin 2; minus strand). Cytogenetic location: 12p11.21.
Variant type: single nucleotide variant.
Coding change: c.584C>T on transcript NM_001005242.3 (MANE Select); coding-DNA position 584, C replaced by T.
Protein change: p.Ala195Val; replaces alanine 195 with valine.
Molecular consequence: missense variant.
Genome position (GRCh38, 1-based): chr12:32,878,296, G>A on the plus strand (C>T on the coding strand, the complement: PKP2 is on the minus strand). VCF-style: chr12-32878296-G-A. GRCh37 (hg19) VCF-style: chr12-33031230-G-A.
Other names: c.584C>T, p.Ala195Val (NM_004572.4); short protein forms A195V.
Identifiers: ClinVar variation 923510 (VCV000923510.11), dbSNP rs1041783952, ClinGen allele CA235266494.